The following is an entry in ClinVar:

ClinVar aggregate classification (germline): Uncertain significance. Review status: criteria provided, multiple submitters, no conflicts (2 of 4 stars). 2 submissions from 2 submitters: Uncertain significance (2). Last evaluated 2024-08-27.

Conditions:
Cardiovascular phenotype. Identifiers: MedGen CN230736.

Submissions (2):

Labcorp Genetics (formerly Invitae), Labcorp
Classification: Uncertain significance. Last evaluated: 2024-08-27. Review status: criteria provided, single submitter. Criteria: Invitae Variant Classification Sherloc (09022015). Collection method: clinical testing. Allele origin: germline.
Comment: This sequence change replaces serine, which is neutral and polar, with alanine, which is neutral and non-polar, at codon 1749 of the ALPK3 protein (p.Ser1749Ala). This variant is not present in population databases (gnomAD no frequency). This variant has not been reported in the literature in individuals affected with ALPK3-related conditions. ClinVar contains an entry for this variant (Variation ID: 2563953). An algorithm developed to predict the effect of missense changes on protein structure and function (PolyPhen-2) suggests that this variant is likely to be disruptive. In summary, the available evidence is currently insufficient to determine the role of this variant in disease. Therefore, it has been classified as a Variant of Uncertain Significance.

Ambry Genetics
Classification: Uncertain significance for Cardiovascular phenotype. Last evaluated: 2023-04-28. Review status: criteria provided, single submitter. Criteria: Ambry Variant Classification Scheme 2023. Collection method: clinical testing. Allele origin: germline.
Comment: The p.S1749A variant (also known as c.5245T>G), located in coding exon 12 of the ALPK3 gene, results from a T to G substitution at nucleotide position 5245. The serine at codon 1749 is replaced by alanine, an amino acid with similar properties. This amino acid position is conserved. In addition, this alteration is predicted to be tolerated by in silico analysis. Since supporting evidence is limited at this time, the clinical significance of this alteration remains unclear.

NM_020778.5(ALPK3):c.4639T>G (p.Ser1547Ala)

Gene: ALPK3 (alpha kinase 3; plus strand). Cytogenetic location: 15q25.3.
Variant type: single nucleotide variant.
Coding change: c.4639T>G on transcript NM_020778.5 (MANE Select); coding-DNA position 4639, T replaced by G.
Protein change: p.Ser1547Ala; replaces serine 1547 with alanine.
Molecular consequence: missense variant.
Genome position (GRCh38, 1-based): chr15:84,864,581, T>G. VCF-style: chr15-84864581-T-G. GRCh37 (hg19) VCF-style: chr15-85407812-T-G.
Other names: short protein forms S1547A.
Identifiers: ClinVar variation 2563953 (VCV002563953.4), dbSNP rs753418329, ClinGen allele CA393365178.